The following is an entry in ClinVar:

NM_001267550.2(TTN):c.85878T>G (p.Tyr28626Ter)

Genes: TTN (titin; minus strand), TTN-AS1 (TTN antisense RNA 1; plus strand). Cytogenetic location: 2q31.2.
Variant type: single nucleotide variant.
Coding change: c.85878T>G on transcript NM_001267550.2 (MANE Select); coding-DNA position 85878, T replaced by G.
Protein change: p.Tyr28626Ter; replaces tyrosine 28626 with a stop codon.
Molecular consequence: nonsense.
Genome position (GRCh38, 1-based): chr2:178,560,254, A>C on the plus strand (T>G on the coding strand, the complement: TTN is on the minus strand). VCF-style: chr2-178560254-A-C. GRCh37 (hg19) VCF-style: chr2-179424981-A-C.
Other names: c.80955T>G, p.Tyr26985Ter (NM_001256850.1); c.58683T>G, p.Tyr19561Ter (NM_003319.4); c.78174T>G, p.Tyr26058Ter (NM_133378.4); c.59058T>G, p.Tyr19686Ter (NM_133432.3); c.59259T>G, p.Tyr19753Ter (NM_133437.4); short protein forms Y19561*, Y19686*, Y19753*, Y26058*, Y26985*, Y28626*.
Identifiers: ClinVar variation 4879814 (VCV004879814.1).

ClinVar aggregate classification (germline): Likely pathogenic (1 of 4 stars; one submission).

Conditions:
Autosomal recessive titinopathy. Identifiers: MedGen CN315649, MONDO:0100493.

gnomAD v4.1: 1 of 1,613,862 alleles (0.000062%); highest among the groups gnomAD compares: Non-Finnish European, 0.000085%; no homozygotes.

Submission:

Victorian Clinical Genetics Services, Murdoch Childrens Research Institute
Classification: Likely pathogenic for Autosomal recessive titinopathy. Last evaluated: 2026-07-08. Review status: criteria provided, single submitter. Criteria: ACMG Guidelines, 2015. Collection method: clinical testing. Allele origin: germline. Affected: yes.
Comment: This variant is classified as Likely pathogenic. Evidence in support of pathogenic classification: Variant is predicted to cause nonsense-mediated decay (NMD) and loss of protein (premature termination codon is located at least 54 nucleotides upstream of the final exon-exon junction); Variant is present in gnomAD <0.01 (v4: 1 heterozygote(s), 0 homozygote(s)); Other NMD-predicted variants comparable to the one identified in this case have strong previous evidence for pathogenicity (ClinVar). Additional information: This variant is heterozygous; This gene is associated with both recessive and dominant disease (OMIM); This variant has no previous evidence of pathogenicity; No published evidence of segregation with disease has been identified for this variant; No published functional evidence has been identified for this variant; Variant is located in the annotated A-band and the exon has a PSI score of 100% (PMID: 25589632); Loss of function is a known mechanism of disease in this gene. In addition, dominant negative is also a suggested mechanism (PMID: 25589632); The condition associated with this gene has incomplete penetrance. Variants in this gene that result in a premature termination codon (PTC) are known to have reduced penetrance in DCM (PMID: 25589632).

Literature cited by the submitters: PubMed 25589632.